The following is an entry in ClinVar:

ClinVar aggregate classification (germline): Uncertain significance (1 of 4 stars; one submission).

Conditions:
Ataxia-telangiectasia-like disorder (ATLD). Identifiers: MedGen C1858391, MONDO:0011457.

Submission:

Labcorp Genetics (formerly Invitae), Labcorp
Classification: Uncertain significance for Ataxia-telangiectasia-like disorder. Last evaluated: 2023-05-05. Review status: criteria provided, single submitter. Criteria: Invitae Variant Classification Sherloc (09022015). Collection method: clinical testing. Allele origin: germline.
Comment: In summary, the available evidence is currently insufficient to determine the role of this variant in disease. Therefore, it has been classified as a Variant of Uncertain Significance. An algorithm developed to predict the effect of missense changes on protein structure and function (PolyPhen-2) suggests that this variant is likely to be tolerated. This variant has not been reported in the literature in individuals affected with MRE11-related conditions. This variant is not present in population databases (gnomAD no frequency). This sequence change replaces glutamic acid, which is acidic and polar, with aspartic acid, which is acidic and polar, at codon 207 of the MRE11 protein (p.Glu207Asp).

NM_005591.4(MRE11):c.621G>C (p.Glu207Asp)

Gene: MRE11 (MRE11 double strand break repair nuclease; minus strand). Cytogenetic location: 11q21.
Variant type: single nucleotide variant.
Coding change: c.621G>C on transcript NM_005591.4 (MANE Select); coding-DNA position 621, G replaced by C.
Protein change: p.Glu207Asp; replaces glutamic acid 207 with aspartic acid.
Molecular consequence: missense variant.
Genome position (GRCh38, 1-based): chr11:94,476,327, C>G on the plus strand (G>C on the coding strand, the complement: MRE11 is on the minus strand). VCF-style: chr11-94476327-C-G. GRCh37 (hg19) VCF-style: chr11-94209493-C-G.
Other names: c.621G>C, p.Glu207Asp (NM_001330347.2, NM_005590.4); short protein forms E207D.
Identifiers: ClinVar variation 2862005 (VCV002862005.3), dbSNP rs2496534826, ClinGen allele CA382376693.